The following is an entry in ClinVar:

NM_182961.4(SYNE1):c.11010C>A (p.His3670Gln)

Gene: SYNE1 (spectrin repeat containing nuclear envelope protein 1; minus strand). Cytogenetic location: 6q25.2.
Variant type: single nucleotide variant.
Coding change: c.11010C>A on transcript NM_182961.4 (MANE Select); coding-DNA position 11010, C replaced by A.
Protein change: p.His3670Gln; replaces histidine 3670 with glutamine.
Molecular consequence: missense variant.
Genome position (GRCh38, 1-based): chr6:152,353,661, G>T on the plus strand (C>A on the coding strand, the complement: SYNE1 is on the minus strand). VCF-style: chr6-152353661-G-T. GRCh37 (hg19) VCF-style: chr6-152674796-G-T.
Other names: c.10965C>A, p.His3655Gln (NM_033071.5); short protein forms H3655Q, H3670Q.
Identifiers: ClinVar variation 450728 (VCV000450728.6), dbSNP rs143673038, ClinGen allele CA366123230.
Genomic context (GRCh38, chr6:152,353,661, plus strand): 5'-AAGCAGGGCCTGGTATCTGGAAGTCAGCTGGGTGGCCTGGCAACCCATTCTGCTGTTCAC[G>T]TGGCTCTCGTCCAGTATCTCCTGAGCTCTAGCTCCCACTTCCTCAACTTCATCTCTGTAT-3'
Protein context (NP_892006.3, residues 3660-3680): ARAQEILDES[His3670Gln]VNSRMGCQAT

ClinVar aggregate classification (germline): Uncertain significance. Review status: criteria provided, multiple submitters, no conflicts (2 of 4 stars). 2 submissions from 2 submitters: Uncertain significance (2). Last evaluated 2022-04-18.

Conditions:
Emery-Dreifuss muscular dystrophy 4, autosomal dominant (EDMD4). Also called: EMERY-DREIFUSS MUSCULAR DYSTROPHY 4 WITH VARIABLE FEATURES. Identifiers: Orphanet 261, MedGen C2751807, MONDO:0013071, OMIM 612998.
Autosomal recessive ataxia, Beauce type. Also called: Spinocerebellar ataxia, autosomal recessive 8; ATAXIA, RECESSIVE, OF BEAUCE; SYNE1-Related Autosomal Recessive Cerebellar Ataxia; SYNE1 Deficiency. Identifiers: Orphanet 88644, MedGen C1853116, MONDO:0012549, OMIM 610743.

Allele frequency attached by ClinVar (database versions not stated): TOPMed 0.00001.
gnomAD v4.1: 5 of 1,614,032 alleles (0.00031%); highest among the groups gnomAD compares: Non-Finnish European, 0.00042%; no homozygotes.

Submissions (2):

Labcorp Genetics (formerly Invitae), Labcorp
Classification: Uncertain significance for Emery-Dreifuss muscular dystrophy 4, autosomal dominant; Autosomal recessive ataxia, Beauce type. Last evaluated: 2022-04-18. Review status: criteria provided, single submitter. Criteria: Invitae Variant Classification Sherloc (09022015). Collection method: clinical testing. Allele origin: germline.
Comment: This sequence change replaces histidine, which is basic and polar, with glutamine, which is neutral and polar, at codon 3655 of the SYNE1 protein (p.His3655Gln). This variant is present in population databases (no rsID available, gnomAD 0.002%). This variant has not been reported in the literature in individuals affected with SYNE1-related conditions. ClinVar contains an entry for this variant (Variation ID: 450728). Algorithms developed to predict the effect of missense changes on protein structure and function output the following: SIFT: "Tolerated"; PolyPhen-2: "Benign"; Align-GVGD: "Class C0". The glutamine amino acid residue is found in multiple mammalian species, which suggests that this missense change does not adversely affect protein function. In summary, the available evidence is currently insufficient to determine the role of this variant in disease. Therefore, it has been classified as a Variant of Uncertain Significance.

GeneDx
Classification: Uncertain significance. Last evaluated: 2018-01-22. Review status: criteria provided, single submitter. Criteria: GeneDx Variant Classification (06012015). Collection method: clinical testing. Allele origin: germline. Affected: yes.
Comment: A variant of uncertain significance has been identified in the SYNE1 gene. The H3655Q variant has not been published as a pathogenic variant, nor has it been reported as a benign variant to our knowledge. The H3655Q variant is not observed in large population cohorts (Lek et al., 2016; 1000 Genomes Consortium et al., 2015; Exome Variant Server). The H3655Q variant is a semi-conservative amino acid substitution, which may impact secondary protein structure as these residues differ in some properties. However, this substitution occurs at a position that is not conserved and in silico analysis predicts this variant likely does not alter the protein structure/function. Therefore, based on the currently available information, it is unclear whether this variant is a pathogenic variant or a rare benign variant.